The following is an entry in ClinVar:

ClinVar aggregate classification (germline): Likely benign (0 of 4 stars; one submission).

Conditions:
CCDC47-related disorder. Also called: CCDC47-related condition.

Allele frequency attached by ClinVar (database versions not stated): gnomAD 0.00011; ExAC 0.00017; ESP Exome Variant Server 0.00023; TOPMed 0.00013.
gnomAD v4.1: 276 of 1,589,790 alleles (0.017%); highest among the groups gnomAD compares: Non-Finnish European, 0.021%; no homozygotes.

Submission:

PreventionGenetics, part of Exact Sciences
Classification: Likely benign for CCDC47-related condition. Last evaluated: 2020-01-08. Review status: no assertion criteria provided. Collection method: clinical testing. Allele origin: germline.
Comment: This variant is classified as likely benign based on ACMG/AMP sequence variant interpretation guidelines (Richards et al. 2015 PMID: 25741868, with internal and published modifications).

NM_020198.3(CCDC47):c.948+9G>A

Gene: CCDC47 (coiled-coil domain containing 47; minus strand). Cytogenetic location: 17q23.3.
Variant type: single nucleotide variant.
Coding change: c.948+9G>A on transcript NM_020198.3 (MANE Select); 9 bases into the intron after coding-DNA position 948, G replaced by A.
Molecular consequence: intron variant.
Genome position (GRCh38, 1-based): chr17:63,756,231, C>T on the plus strand (G>A on the coding strand, the complement: CCDC47 is on the minus strand). VCF-style: chr17-63756231-C-T. GRCh37 (hg19) VCF-style: chr17-61833591-C-T.
Identifiers: ClinVar variation 3045775 (VCV003045775.2), dbSNP rs372450501, ClinGen allele CA8703763.